The following is an entry in ClinVar:

ClinVar aggregate classification (germline): Pathogenic (1 of 4 stars; one submission).

Conditions:
Polycystic kidney disease, adult type (PKD1). Also called: Polycystic Kidney, Autosomal Dominant; POLYCYSTIC KIDNEY DISEASE, ADULT, TYPE I; Polycystic Kidney Disease 1, Autosomal Dominant; Polycystic kidney disease 1; Polycystic kidney disease 1, severe; POLYCYSTIC KIDNEY DISEASE 1 WITH OR WITHOUT POLYCYSTIC LIVER DISEASE. Identifiers: MedGen C3149841, MONDO:0008263, OMIM 173900.

Submission:

Women's Health and Genetics/Laboratory Corporation of America, LabCorp
Classification: Pathogenic for Polycystic kidney disease, adult type. Last evaluated: 2026-05-11. Review status: criteria provided, single submitter. Criteria: LabCorp Variant Classification Summary - May 2015. Collection method: clinical testing. Allele origin: germline.
Comment: Variant summary: PKD1 c.842_888dup47 (p.Pro297ThrfsX9) results in a premature termination codon, predicted to cause a truncation of the encoded protein or absence of the protein due to nonsense mediated decay, which are commonly known mechanisms for disease. The variant was absent in 220936 control chromosomes. To our knowledge, no occurrence of c.842_888dup47 in individuals affected with PKD1-related conditions and no experimental evidence demonstrating its impact on protein function have been reported. No submitters have cited clinical-significance assessments for this variant to ClinVar. Based on the evidence outlined above, the variant was classified as pathogenic.

NM_001009944.3(PKD1):c.842_888dup (p.Pro297delinsThrAspLeuTrpProLeuAlaSerTer)

Gene: PKD1 (polycystin 1, transient receptor potential channel interacting; minus strand). Cytogenetic location: 16p13.3.
Variant type: Duplication.
Coding change: c.842_888dup on transcript NM_001009944.3 (MANE Select); coding-DNA positions 842 to 888, 47 bases duplicated.
Protein change: p.Pro297delinsThrAspLeuTrpProLeuAlaSerTer.
Molecular consequence: nonsense.
Genome position (GRCh38, 1-based): chr16:2,118,104-2,118,150, 47 bases duplicated; duplicating any 47 consecutive bases within chr16:2,118,104-2,118,152 gives the same sequence; the c. name uses the placement nearest the transcript's 3' end. GRCh37 (hg19): chr16:2,168,107-2,168,153.
Other names: c.842_888dup47 (NM_001009944.3); c.842_888dup, p.Pro297delinsThrAspLeuTrpProLeuAlaSerTer (NM_000296.4).
Identifiers: ClinVar variation 4853300 (VCV004853300.1).
Genomic context (GRCh38, chr16:2,118,103, plus strand): 5'-CGGCATCCACCTCGGCGGAGCCGTCTCCGAAGTCCCAGCGTGTGGCAGTGACAGGGAGCG[G>GGGCAGCGATGTGGAAGGCTGCTAGCTGGCCAGAGGCCAGAGGTCCGT]GGCAGCGATGTGGAAGGCTGCTAGCTGGCCAGAGGCCAGAGGTCCGTGGGGCCCCACCAG-3'